The following is an entry in ClinVar:

NM_001042492.3(NF1):c.7523A>G (p.Tyr2508Cys)

Gene: NF1 (neurofibromin 1; plus strand). Cytogenetic location: 17q11.2.
Variant type: single nucleotide variant.
Coding change: c.7523A>G on transcript NM_001042492.3 (MANE Select); coding-DNA position 7523, A replaced by G.
Protein change: p.Tyr2508Cys; replaces tyrosine 2508 with cysteine.
Molecular consequence: missense variant.
Genome position (GRCh38, 1-based): chr17:31,352,322, A>G. VCF-style: chr17-31352322-A-G. GRCh37 (hg19) VCF-style: chr17-29679340-A-G.
Other names: c.7460A>G, p.Tyr2487Cys (NM_000267.4); short protein forms Y2508C, Y2487C.
Identifiers: ClinVar variation 827067 (VCV000827067.14), dbSNP rs762169098, ClinGen allele CA8487604.

ClinVar aggregate classification (germline): Conflicting classifications of pathogenicity. Review status: criteria provided, conflicting classifications (1 of 4 stars). 6 submissions from 6 submitters: Uncertain significance (4); Likely benign (2). Last evaluated 2025-09-17.

Conditions:
Neurofibromatosis-Noonan syndrome (NFNS). Also called: NEUROFIBROMATOSIS WITH NOONAN PHENOTYPE. Identifiers: Orphanet 638, MedGen C2931482, MONDO:0011035, OMIM 601321. Disease mechanism: loss of function.
Café-au-lait macules with pulmonary stenosis (WTSN). Also called: PULMONIC STENOSIS WITH CAFE-AU-LAIT SPOTS. Identifiers: MedGen C0553586, MONDO:0008672, OMIM 193520.
Juvenile myelomonocytic leukemia (JMML). Also called: LEUKEMIA, JUVENILE MYELOMONOCYTIC, SOMATIC. Identifiers: Orphanet 86834, MedGen C0349639, MONDO:0011908, OMIM 607785, HP:0012209.
Neurofibromatosis, type 1 (NF1). Also called: Neurofibromatosis, type I; Peripheral type neurofibromatosis; VON RECKLINGHAUSEN DISEASE; NEUROFIBROMATOSIS, TYPE I, SOMATIC. Identifiers: Orphanet 636, MedGen C0027831, MONDO:0018975, OMIM 162200. Disease mechanism: loss of function.
Neurofibromatosis, familial spinal (FSNF). Identifiers: Orphanet 636, MedGen C1834235, MONDO:0008078, OMIM 162210. Disease mechanism: loss of function.
Hereditary cancer-predisposing syndrome. Also called: Neoplastic Syndromes, Hereditary; Hereditary Cancer Syndrome; Hereditary neoplastic syndrome; Tumor predisposition. Identifiers: Orphanet 140162, MedGen C0027672, MeSH D009386, MONDO:0015356.
Cardiovascular phenotype. Identifiers: MedGen CN230736.

Allele frequency attached by ClinVar (database versions not stated): TOPMed below 0.00001; gnomAD exomes 0.00001 and 0.00002; ExAC 0.00002.
gnomAD v4.1: 17 of 1,614,146 alleles (0.0011%); highest among the groups gnomAD compares: South Asian, 0.015%; no homozygotes.

Submissions (6):

Labcorp Genetics (formerly Invitae), Labcorp
Classification: Likely benign for Neurofibromatosis, type 1. Last evaluated: 2025-09-17. Review status: criteria provided, single submitter. Criteria: Invitae Variant Classification Sherloc (09022015). Collection method: clinical testing. Allele origin: germline.

GeneDx
Classification: Uncertain significance. Last evaluated: 2025-05-13. Review status: criteria provided, single submitter. Criteria: GeneDx Variant Classification Process June 2021. Collection method: clinical testing. Allele origin: germline. Affected: yes.
Comment: In silico analysis supports that this missense variant has a deleterious effect on protein structure/function; Has not been previously published as pathogenic or benign to our knowledge; This variant is associated with the following publications: (PMID: 25486365)

Fulgent Genetics
Classification: Uncertain significance for Neurofibromatosis, type 1; Neurofibromatosis, familial spinal; Café-au-lait macules with pulmonary stenosis; Neurofibromatosis-Noonan syndrome; Juvenile myelomonocytic leukemia. Last evaluated: 2024-03-30. Review status: criteria provided, single submitter. Criteria: ACMG Guidelines, 2015. Collection method: clinical testing. Allele origin: germline.

Women's Health and Genetics/Laboratory Corporation of America, LabCorp
Classification: Uncertain significance. Last evaluated: 2023-12-22. Review status: criteria provided, single submitter. Criteria: LabCorp Variant Classification Summary - May 2015. Collection method: clinical testing. Allele origin: germline.
Comment: Variant summary: NF1 c.7460A>G (p.Tyr2487Cys) results in a non-conservative amino acid change in the encoded protein sequence. Three of five in-silico tools predict a benign effect of the variant on protein function. The variant allele was found at a frequency of 1.6e-05 in 251462 control chromosomes (gnomAD). The available data on variant occurrences in the general population are insufficient to allow any conclusion about variant significance. To our knowledge, no occurrence of c.7460A>G in individuals affected with Neurofibromatosis Type 1 and no experimental evidence demonstrating its impact on protein function have been reported. Four submitters have cited clinical-significance assessments for this variant to ClinVar after 2014. All submitters classified the variant as uncertain significance. Based on the evidence outlined above, the variant was classified as uncertain significance.

Ambry Genetics
Classification: Likely benign for Cardiovascular phenotype; Hereditary cancer-predisposing syndrome. Last evaluated: 2023-04-04. Review status: criteria provided, single submitter. Criteria: Ambry Variant Classification Scheme 2023. Collection method: clinical testing. Allele origin: germline.

Genome-Nilou Lab
Classification: Uncertain significance for Neurofibromatosis, type 1. Last evaluated: 2022-03-15. Review status: criteria provided, single submitter. Criteria: ACMG Guidelines, 2015. Collection method: clinical testing. Allele origin: germline. Affected: no.